The following is an entry in ClinVar:

NM_004444.5(EPHB4):c.717_727del (p.Cys239fs)

Gene: EPHB4 (EPH receptor B4; minus strand). Cytogenetic location: 7q22.1.
Variant type: Deletion.
Coding change: c.717_727del on transcript NM_004444.5 (MANE Select); coding-DNA positions 717 to 727, 11 bases deleted (CCGTGAGGATG).
Protein change: p.Cys239fs; shifts the reading frame from cysteine 239.
Molecular consequence: frameshift variant.
Genome position (GRCh38, 1-based): chr7:100,822,352-100,822,362, CATCCTCACGG deleted on the plus strand (CCGTGAGGATG on the coding strand, the reverse complement: EPHB4 is on the minus strand); deleting any 11 consecutive bases within chr7:100,822,352-100,822,364 gives the same sequence; the c. name uses the placement nearest the transcript's 3' end. VCF-style (leftmost placement, unchanged base first): chr7-100822351-CCATCCTCACGG-C. GRCh37 (hg19) VCF-style: chr7-100419973-CCATCCTCACGG-C.
Other names: short protein forms C239fs.
Identifiers: ClinVar variation 2635609 (VCV002635609.1), dbSNP rs2485044907, ClinGen allele CA2695199599.
Genomic context (GRCh38, chr7:100,822,351, plus strand): 5'-TCAGCTGCCTCGAACCCCGGAGCACAGCTGCAGCCCGTGACCGGCTGTTCGGCCCACTGG[CCATCCTCACGG>C]CAGTAGAGGCTGGGGCTGGGGCCAGGGGCGGGGACGGCATCCACCACGCAGCTACCGGCC-3'

ClinVar aggregate classification (germline): Likely pathogenic (1 of 4 stars; one submission).

Conditions:
EPHB4-related disorder. Also called: EPHB4-related disorders; EPHB4-related condition.

Submission:

PreventionGenetics, part of Exact Sciences
Classification: Likely pathogenic for EPHB4-related condition. Last evaluated: 2022-10-26. Review status: criteria provided, single submitter. Criteria: ACMG Guidelines, 2015. Collection method: clinical testing. Allele origin: germline.
Comment: The EPHB4 c.717_727del11 variant is predicted to result in a frameshift and premature protein termination (p.Cys239Trpfs*21). To our knowledge, this variant has not been reported in the literature or in a large population database, indicating this variant is rare. Frameshift variants in EPHB4 are expected to be pathogenic. This variant is interpreted as likely pathogenic.